The following is an entry in ClinVar:

ClinVar aggregate classification (germline): Uncertain significance (1 of 4 stars; one submission).

Allele frequency attached by ClinVar (database versions not stated): gnomAD exomes below 0.00001.

Submission:

GeneDx
Classification: Uncertain significance. Last evaluated: 2025-02-28. Review status: criteria provided, single submitter. Criteria: GeneDx Variant Classification Process June 2021. Collection method: clinical testing. Allele origin: germline. Affected: yes.
Comment: Not observed at significant frequency in large population cohorts (gnomAD); In silico analysis supports that this variant does not alter splicing; Has not been previously published as pathogenic or benign to our knowledge; This variant is associated with the following publications: (PMID: 27535533)

NM_001375524.1(TRRAP):c.4014+4_4014+5insT

Gene: TRRAP (transformation/transcription domain associated protein; plus strand). Cytogenetic location: 7q22.1.
Variant type: Insertion.
Coding change: c.4014+4_4014+5insT on transcript NM_001375524.1 (MANE Select); bases 4 to 5 of the intron after coding-DNA position 4014, T inserted.
Molecular consequence: intron variant.
Genome position: GRCh38 VCF-style: chr7-98933406-G-GT. GRCh37 (hg19) VCF-style: chr7-98531029-G-GT.
Other names: c.4014+4_4014+5insT (NM_001244580.2, NM_003496.4).
Identifiers: ClinVar variation 1331226 (VCV001331226.3), dbSNP rs2116525404, ClinGen allele CA2573052953.